The following is an entry in ClinVar:

ClinVar aggregate classification (germline): Uncertain significance. Review status: criteria provided, multiple submitters, no conflicts (2 of 4 stars). 6 submissions from 6 submitters: Uncertain significance (5). 1 of the submissions does not count toward it. Last evaluated 2026-02-02.

Conditions:
Birt-Hogg-Dube syndrome 1 (BHD1). Also called: FIBROFOLLICULOMAS WITH TRICHODISCOMAS AND ACROCHORDONS. Identifiers: Orphanet 122, MedGen CN375946, MONDO:0800445, OMIM 135150.
FLCN-related disorder. Also called: FLCN-related condition.
Hereditary cancer-predisposing syndrome. Also called: Hereditary Cancer Syndrome; Neoplastic Syndromes, Hereditary; Hereditary neoplastic syndrome; Tumor predisposition. Identifiers: Orphanet 140162, MedGen C0027672, MeSH D009386, MONDO:0015356.
Birt-Hogg-Dube syndrome. Also called: Birt Hogg Dubé syndrome. Identifiers: Orphanet 122, MedGen C0346010, MONDO:0800444.
Nonpapillary renal cell carcinoma. Identifiers: Orphanet 422526, MedGen CN074294, MONDO:0007763, OMIM 144700.
Familial spontaneous pneumothorax (PSP). Identifiers: Orphanet 2903, MedGen C1868193, MONDO:0008259, OMIM 173600.
Colorectal cancer. Also called: Malignant Colorectal Neoplasm; Colorectal cancer, somatic. Identifiers: MedGen C0346629, MONDO:0005575, OMIM 114500.

Allele frequency attached by ClinVar (database versions not stated): gnomAD exomes below 0.00001 and 0.00001; ExAC 0.00001; gnomAD 0.00001; TOPMed 0.00002.

Submissions (6):

Labcorp Genetics (formerly Invitae), Labcorp
Classification: Uncertain significance for Birt-Hogg-Dube syndrome. Last evaluated: 2026-02-02. Review status: criteria provided, single submitter. Criteria: Invitae Variant Classification Sherloc (09022015). Collection method: clinical testing. Allele origin: germline.
Comment: This sequence change replaces valine, which is neutral and non-polar, with methionine, which is neutral and non-polar, at codon 439 of the FLCN protein (p.Val439Met). The frequency data for this variant in the population databases is considered unreliable, as metrics indicate poor data quality at this position in the gnomAD database. This variant has not been reported in the literature in individuals affected with FLCN-related conditions. ClinVar contains an entry for this variant (Variation ID: 818884). Invitae Evidence Modeling of protein sequence and biophysical properties (such as structural, functional, and spatial information, amino acid conservation, physicochemical variation, residue mobility, and thermodynamic stability) indicates that this missense variant is not expected to disrupt FLCN protein function with a negative predictive value of 80%. In summary, the available evidence is currently insufficient to determine the role of this variant in disease. Therefore, it has been classified as a Variant of Uncertain Significance.

Ambry Genetics
Classification: Uncertain significance for Hereditary cancer-predisposing syndrome. Last evaluated: 2025-09-30. Review status: criteria provided, single submitter. Criteria: Ambry Variant Classification Scheme 2023. Collection method: clinical testing. Allele origin: germline.
Comment: The p.V439M variant (also known as c.1315G>A), located in coding exon 9 of the FLCN gene, results from a G to A substitution at nucleotide position 1315. The valine at codon 439 is replaced by methionine, an amino acid with highly similar properties. This amino acid position is highly conserved in available vertebrate species. In addition, this alteration is predicted to be deleterious by in silico analysis. Since supporting evidence is limited at this time, the clinical significance of this alteration remains unclear.

Fulgent Genetics
Classification: Uncertain significance for Colorectal cancer; Birt-Hogg-Dube syndrome 1; Nonpapillary renal cell carcinoma; Familial spontaneous pneumothorax. Last evaluated: 2024-04-10. Review status: criteria provided, single submitter. Criteria: ACMG Guidelines, 2015. Collection method: clinical testing. Allele origin: germline.

Baylor Genetics
Classification: Uncertain significance for Birt-Hogg-Dube syndrome 1. Last evaluated: 2024-01-04. Review status: criteria provided, single submitter. Criteria: ACMG Guidelines, 2015. Collection method: clinical testing. Allele origin: unknown.

GeneDx
Classification: Uncertain significance. Last evaluated: 2023-05-22. Review status: criteria provided, single submitter. Criteria: GeneDx Variant Classification Process June 2021. Collection method: clinical testing. Allele origin: germline. Affected: yes.
Comment: Not observed at significant frequency in large population cohorts (gnomAD); In silico analysis supports that this missense variant does not alter protein structure/function; Has not been previously published as pathogenic or benign to our knowledge; This variant is associated with the following publications: (PMID: 17028174)

PreventionGenetics, part of Exact Sciences
Classification: Uncertain significance for FLCN-related condition. Last evaluated: 2024-09-10. Review status: no assertion criteria provided. Collection method: clinical testing. Allele origin: germline. Not counted in ClinVar's aggregate classification.
Comment: The FLCN c.1315G>A variant is predicted to result in the amino acid substitution p.Val439Met. To our knowledge, this variant has not been reported in the literature. This variant is reported in 0.00088% of alleles in individuals of European (Non-Finnish) descent in gnomAD. At this time, the clinical significance of this variant is uncertain due to the absence of conclusive functional and genetic evidence.

NM_144997.7(FLCN):c.1315G>A (p.Val439Met)

Gene: FLCN (folliculin; minus strand). Cytogenetic location: 17p11.2.
Variant type: single nucleotide variant.
Coding change: c.1315G>A on transcript NM_144997.7 (MANE Select); coding-DNA position 1315, G replaced by A.
Protein change: p.Val439Met; replaces valine 439 with methionine.
Molecular consequence: missense variant.
Genome position (GRCh38, 1-based): chr17:17,215,302, C>T on the plus strand (G>A on the coding strand, the complement: FLCN is on the minus strand). VCF-style: chr17-17215302-C-T. GRCh37 (hg19) VCF-style: chr17-17118616-C-T.
Other names: c.1369G>A, p.Val457Met (NM_001353229.2); c.1315G>A, p.Val439Met (NM_001353230.2, NM_001353231.2); short protein forms V457M, V439M.
Identifiers: ClinVar variation 818884 (VCV000818884.14), dbSNP rs112980409, ClinGen allele CA8416031.